The following is an entry in ClinVar:

ClinVar aggregate classification (germline): Uncertain significance (1 of 4 stars; one submission).

Allele frequency attached by ClinVar (database versions not stated): gnomAD 0.00003; ExAC 0.00005; ESP Exome Variant Server 0.00015.
gnomAD v4.1: 76 of 1,611,032 alleles (0.0047%); highest among the groups gnomAD compares: Admixed American, 0.0084%; no homozygotes.

Submission:

CeGaT Center for Human Genetics Tuebingen
Classification: Uncertain significance. Last evaluated: 2024-12-01. Review status: criteria provided, single submitter. Criteria: CeGaT Center For Human Genetics Tuebingen Variant Classification Criteria Version 2. Collection method: clinical testing. Allele origin: germline. Affected: yes. Observed: 5 variant alleles.
Comment: HYDIN: PM2, BP4

NM_001270974.2(HYDIN):c.2057C>T (p.Ala686Val)

Gene: HYDIN (HYDIN axonemal central pair apparatus protein; minus strand). Cytogenetic location: 16q22.2.
Variant type: single nucleotide variant.
Coding change: c.2057C>T on transcript NM_001270974.2 (MANE Select); coding-DNA position 2057, C replaced by T.
Protein change: p.Ala686Val; replaces alanine 686 with valine.
Molecular consequence: missense variant.
Genome position (GRCh38, 1-based): chr16:71,067,308, G>A on the plus strand (C>T on the coding strand, the complement: HYDIN is on the minus strand). VCF-style: chr16-71067308-G-A. GRCh37 (hg19) VCF-style: chr16-71101211-G-A.
Other names: c.2138C>T, p.Ala713Val (NM_001198542.1); c.2108C>T, p.Ala703Val (NM_001198543.1); c.2057C>T, p.Ala686Val (NM_017558.5); short protein forms A686V, A703V, A713V.
Identifiers: ClinVar variation 2646790 (VCV002646790.24), dbSNP rs199673743, ClinGen allele CA8151198.